The following is an entry in ClinVar:

NM_004055.5(CAPN5):c.61C>T (p.Arg21Trp)

Gene: CAPN5 (calpain 5; plus strand). Cytogenetic location: 11q13.5.
Variant type: single nucleotide variant.
Coding change: c.61C>T on transcript NM_004055.5 (MANE Select); coding-DNA position 61, C replaced by T.
Protein change: p.Arg21Trp; replaces arginine 21 with tryptophan.
Molecular consequence: missense variant.
Genome position (GRCh38, 1-based): chr11:77,084,947, C>T. VCF-style: chr11-77084947-C-T. GRCh37 (hg19) VCF-style: chr11-76795993-C-T.
Other names: c.61C>T (NM_004055.4); short protein forms R21W.
Identifiers: ClinVar variation 1410320 (VCV001410320.9), dbSNP rs746809647, ClinGen allele CA6196085.

ClinVar aggregate classification (germline): Uncertain significance. Review status: criteria provided, multiple submitters, no conflicts (2 of 4 stars). 2 submissions from 2 submitters: Uncertain significance (2). Last evaluated 2025-12-25.

Conditions:
Inborn genetic diseases. Identifiers: MedGen C0950123, MeSH D030342.

Allele frequency attached by ClinVar (database versions not stated): gnomAD exomes 0.00002 and 0.00003; ExAC 0.00003; gnomAD 0.00003 and 0.00004; TOPMed 0.00004.

Submissions (2):

Labcorp Genetics (formerly Invitae), Labcorp
Classification: Uncertain significance. Last evaluated: 2025-12-25. Review status: criteria provided, single submitter. Criteria: Invitae Variant Classification Sherloc (09022015). Collection method: clinical testing. Allele origin: germline.
Comment: This sequence change replaces arginine, which is basic and polar, with tryptophan, which is neutral and slightly polar, at codon 21 of the CAPN5 protein (p.Arg21Trp). This variant is present in population databases (rs746809647, gnomAD 0.004%). This variant has not been reported in the literature in individuals affected with CAPN5-related conditions. ClinVar contains an entry for this variant (Variation ID: 1410320). Invitae Evidence Modeling of protein sequence and biophysical properties (such as structural, functional, and spatial information, amino acid conservation, physicochemical variation, residue mobility, and thermodynamic stability) indicates that this missense variant is not expected to disrupt CAPN5 protein function with a negative predictive value of 80%. In summary, the available evidence is currently insufficient to determine the role of this variant in disease. Therefore, it has been classified as a Variant of Uncertain Significance.

Ambry Genetics
Classification: Uncertain significance for Inborn genetic diseases. Last evaluated: 2023-10-13. Review status: criteria provided, single submitter. Criteria: Ambry Variant Classification Scheme 2023. Collection method: clinical testing. Allele origin: germline.